The following is an entry in ClinVar:

ClinVar aggregate classification (germline): Conflicting classifications of pathogenicity. Review status: criteria provided, conflicting classifications (1 of 4 stars). 3 submissions from 3 submitters: Pathogenic (1); Uncertain significance (1); Likely benign (1). Last evaluated 2026-05-15.

Conditions:
Wiedemann-Steiner syndrome (WDSTS). Also called: Growth deficiency and mental retardation with facial dysmorphism. Identifiers: Orphanet 319182, MedGen C1854630, MONDO:0011518, OMIM 605130.
Kabuki syndrome 1 (KABUK1). Also called: KMT2D-Related Kabuki Syndrome. Identifiers: Orphanet 2322, MedGen CN030661, MONDO:0007843, OMIM 147920.

Allele frequency attached by ClinVar (database versions not stated): gnomAD exomes below 0.00001.
gnomAD v4.1: 2 of 1,614,112 alleles (0.00012%); highest among the groups gnomAD compares: Non-Finnish European, 0.00017%; no homozygotes.

Submissions (3):

Women's Health and Genetics/Laboratory Corporation of America, LabCorp
Classification: Uncertain significance. Last evaluated: 2026-05-15. Review status: criteria provided, single submitter. Criteria: LabCorp Variant Classification Summary - May 2015. Collection method: clinical testing. Allele origin: germline.
Comment: Variant summary: KMT2A c.3019G>T (p.Gly1007Cys) results in a non-conservative amino acid change in the encoded protein sequence. Algorithms developed to predict the effect of missense changes on protein structure and function are either unavailable or do not agree on the potential impact of this missense change. The variant was absent in 251446 control chromosomes. c.3019G>T has been observed in two individuals affected with Kabuki syndrome and features of KMT2A-related conditions including one occurrence of presumably de novo (Sobreira_2017, Reynisdottir_2022, Aref_2020 ). These data do not allow any conclusion about variant significance. To our knowledge, no experimental evidence demonstrating an impact on protein function has been reported. ClinVar contains an entry for this variant (Variation ID: 430818). The following publications have been ascertained in the context of this evaluation (PMID: 32109418, 35163737, 29255178). Based on the evidence outlined above, the variant was classified as VUS-possibly pathogenic.

Mendelics
Classification: Likely benign for Wiedemann-Steiner syndrome. Last evaluated: 2019-05-28. Review status: criteria provided, single submitter. Criteria: Mendelics Assertion Criteria 2017. Collection method: clinical testing. Allele origin: unknown.

Baylor-Hopkins Center for Mendelian Genomics, Johns Hopkins University School of Medicine
Classification: Pathogenic for Kabuki syndrome 1. Review status: criteria provided, single submitter. Criteria: ACMG Guidelines, 2015. Collection method: research. Allele origin: de novo. Affected: yes. Observed: 1 variant allele.

Literature cited by the submitters: PubMed 32109418 (cited by Women's Health and Genetics/Laboratory Corporation of America, LabCorp); PubMed 35163737 (cited by Women's Health and Genetics/Laboratory Corporation of America, LabCorp); PubMed 29255178 (cited by Women's Health and Genetics/Laboratory Corporation of America, LabCorp and Baylor-Hopkins Center for Mendelian Genomics, Johns Hopkins University School of Medicine).

NM_001197104.2(KMT2A):c.3019G>T (p.Gly1007Cys)

Gene: KMT2A (lysine methyltransferase 2A; plus strand). Cytogenetic location: 11q23.3.
Variant type: single nucleotide variant.
Coding change: c.3019G>T on transcript NM_001197104.2 (MANE Select); coding-DNA position 3019, G replaced by T.
Protein change: p.Gly1007Cys; replaces glycine 1007 with cysteine.
Molecular consequence: missense variant.
Genome position (GRCh38, 1-based): chr11:118,474,178, G>T. VCF-style: chr11-118474178-G-T. GRCh37 (hg19) VCF-style: chr11-118344893-G-T.
Other names: c.3019G>T, p.Gly1007Cys (NM_005933.4); short protein forms G1007C.
Identifiers: ClinVar variation 430818 (VCV000430818.5), dbSNP rs940325244, ClinGen allele CA229522191.